The following is an entry in ClinVar:

ClinVar aggregate classification (germline): Pathogenic. Review status: reviewed by expert panel (3 of 4 stars). 7 submissions from 7 submitters: Pathogenic (1). 6 of the submissions do not count toward it. Last evaluated 2016-09-08.

Conditions:
Inherited breast cancer and ovarian cancer.
Hereditary cancer-predisposing syndrome. Also called: Tumor predisposition; Neoplastic Syndromes, Hereditary; Hereditary Cancer Syndrome; Hereditary neoplastic syndrome. Identifiers: Orphanet 140162, MedGen C0027672, MeSH D009386, MONDO:0015356.
Hereditary breast ovarian cancer syndrome. Also called: Hereditary breast and ovarian cancer syndrome (HBOC); Hereditary breast and ovarian cancer syndrome; Hereditary breast and ovarian cancer; Hereditary breast and/or ovarian cancer syndrome; Breast and ovarian cancer; BRCA1- and BRCA2-Associated Hereditary Breast and Ovarian Cancer. Identifiers: Orphanet 145, MedGen C0677776, MeSH D061325, MONDO:0003582. Disease mechanism: loss of function.
Breast-ovarian cancer, familial, susceptibility to, 1 (BROVCA1). Also called: OVARIAN CANCER, SUSCEPTIBILITY TO; BRCA1 Hereditary Breast and Ovarian Cancer. Identifiers: Orphanet 145, MedGen C2676676, MONDO:0011450, OMIM 604370. Disease mechanism: loss of function.

Submissions (7):

Evidence-based Network for the Interpretation of Germline Mutant Alleles (ENIGMA)
Classification: Pathogenic for Breast-ovarian cancer, familial, susceptibility to, 1. Last evaluated: 2016-09-08. Review status: reviewed by expert panel. Criteria: ENIGMA BRCA1/2 Classification Criteria (2015). Collection method: curation. Allele origin: germline.
Comment: Variant allele predicted to encode a truncated non-functional protein.

Cambridge Genomics Laboratory, East Genomic Laboratory Hub, NHS Genomic Medicine Service
Classification: Pathogenic for Inherited breast cancer and ovarian cancer. Last evaluated: 2025-09-30. Review status: criteria provided, single submitter. Criteria: ACGS Best Practice Guidelines for Variant Classification in Rare Disease 2020. Collection method: clinical testing. Allele origin: germline. Affected: yes. Not counted in ClinVar's aggregate classification.
Comment: PVS1,PM2_Supporting,PM5_Strong

Labcorp Genetics (formerly Invitae), Labcorp
Classification: Pathogenic for Hereditary breast ovarian cancer syndrome. Last evaluated: 2025-05-28. Review status: criteria provided, single submitter. Criteria: Invitae Variant Classification Sherloc (09022015). Collection method: clinical testing. Allele origin: germline. Not counted in ClinVar's aggregate classification.
Comment: This sequence change creates a premature translational stop signal (p.Pro586Leufs*2) in the BRCA1 gene. It is expected to result in an absent or disrupted protein product. Loss-of-function variants in BRCA1 are known to be pathogenic (PMID: 20104584). This variant is not present in population databases (gnomAD no frequency). This premature translational stop signal has been observed in individual(s) with breast and/or ovarian cancer (PMID: 10498392, 28724667, 29446198, 30702160). ClinVar contains an entry for this variant (Variation ID: 54343). For these reasons, this variant has been classified as Pathogenic.

GeneDx
Classification: Pathogenic. Last evaluated: 2017-05-15. Review status: criteria provided, single submitter. Criteria: GeneDx Variant Classification (06012015). Collection method: clinical testing. Allele origin: germline. Affected: yes. Not counted in ClinVar's aggregate classification.
Comment: This deletion of one nucleotide in BRCA1 is denoted c.1757delC at the cDNA level and p.Pro586LeufsX2 (P586LfsX2) at the protein level. The normal sequence, with the base that is deleted in brackets, is GAAC[delC]TATA. The deletion causes a frameshift which changes a Proline to a Leucine at codon 586, and creates a premature stop codon at position 2 of the new reading frame. This variant is predicted to cause loss of normal protein function through either protein truncation or nonsense-mediated mRNA decay. BRCA1 c.1757delC, also published as 1876delC using alternate nomenclature, has been observed in at least one individual with Hereditary Breast and Ovarian Cancer (Hopper 1999, Southey 1999, Turkovic 2010). We consider this variant to be pathogenic.

Ambry Genetics
Classification: Pathogenic for Hereditary cancer-predisposing syndrome. Last evaluated: 2015-11-19. Review status: criteria provided, single submitter. Criteria: Ambry Variant Classification Scheme 2023. Collection method: clinical testing. Allele origin: germline. Not counted in ClinVar's aggregate classification.
Comment: The c.1757delC pathogenic mutation (also known as 1876delC), located in coding exon 9 of the BRCA1 gene, results from a deletion of one nucleotide at nucleotide position 1757, causing a translational frameshift with a predicted alternate stop codon. In addition to the clinical data found in the literature, since frameshifts are typically deleterious in nature, this alteration is interpreted as a disease-causing mutation (ACMG Recommendations for Standards for Interpretation and Reporting of Sequence Variations. Revision 2007. Genet Med. 2008;10:294).

Consortium of Investigators of Modifiers of BRCA1/2 (CIMBA), c/o University of Cambridge
Classification: Pathogenic for Breast-ovarian cancer, familial, susceptibility to, 1. Last evaluated: 2015-10-02. Review status: criteria provided, single submitter. Criteria: CIMBA Mutation Classification guidelines May 2016. Collection method: clinical testing. Allele origin: germline. Not counted in ClinVar's aggregate classification.

Breast Cancer Information Core (BIC) (BRCA1)
Classification: Pathogenic for Breast-ovarian cancer, familial 1. Last evaluated: 1998-11-30. Review status: no assertion criteria provided. Collection method: clinical testing. Allele origin: germline. Affected: yes. Observed: 1 variant allele. Not counted in ClinVar's aggregate classification.

Literature cited by the submitters: PubMed 20104584 (cited by Labcorp Genetics (formerly Invitae), Labcorp); PubMed 10498392 (cited by Labcorp Genetics (formerly Invitae), Labcorp and Ambry Genetics); PubMed 28724667 (cited by Labcorp Genetics (formerly Invitae), Labcorp); PubMed 29446198 (cited by Labcorp Genetics (formerly Invitae), Labcorp); PubMed 30702160 (cited by Labcorp Genetics (formerly Invitae), Labcorp); PubMed 20807450 (cited by Ambry Genetics).

NM_007294.4(BRCA1):c.1757del (p.Pro586fs)

Gene: BRCA1 (BRCA1 DNA repair associated; minus strand). Cytogenetic location: 17q21.31.
Variant type: Deletion.
Coding change: c.1757del on transcript NM_007294.4 (MANE Select); coding-DNA position 1757, one base deleted (C; older notation c.1757delC).
Protein change: p.Pro586fs; shifts the reading frame from proline 586.
Molecular consequence: frameshift variant. On other transcripts: intron variant (137).
Genome position (GRCh38, 1-based): chr17:43,093,774, G deleted on the plus strand (C on the coding strand, the reverse complement: BRCA1 is on the minus strand); the first of 2 consecutive G bases (chr17:43,093,774-43,093,775); deleting either gives the same sequence. VCF-style (leftmost placement, unchanged base first): chr17-43093773-AG-A. GRCh37 (hg19) VCF-style: chr17-41245790-AG-A.
Other names: 1876delC; c.1757delC (NM_007294.3); c.1544del, p.Pro515fs (NM_001407571.1, NM_001407853.1, NM_001407894.1 and 9 more transcripts); c.1757del, p.Pro586fs (NM_001407581.1, NM_001407582.1, NM_001407583.1 and 30 more transcripts); c.1754del, p.Pro585fs (NM_001407587.1, NM_001407590.1, NM_001407591.1 and 22 more transcripts); c.1748del, p.Pro583fs (NM_001407646.1, NM_001407647.1); c.1634del, p.Pro545fs (NM_001407648.1, NM_001407664.1, NM_001407665.1 and 19 more transcripts); c.1631del, p.Pro544fs (NM_001407649.1, NM_001407670.1, NM_001407671.1 and 11 more transcripts); and 42 more; short protein forms P539fs, P586fs, P459fs, P474fs, P515fs, P544fs, P418fs, P497fs.
Identifiers: ClinVar variation 54343 (VCV000054343.20), dbSNP rs80357723, ClinGen allele CA001148.